The following is an entry in ClinVar:

NM_000059.4(BRCA2):c.1532C>A (p.Ser511Ter)

Gene: BRCA2 (BRCA2 DNA repair associated; plus strand). Cytogenetic location: 13q13.1.
Variant type: single nucleotide variant.
Coding change: c.1532C>A on transcript NM_000059.4 (MANE Select); coding-DNA position 1532, C replaced by A.
Protein change: p.Ser511Ter; replaces serine 511 with a stop codon.
Molecular consequence: nonsense.
Genome position (GRCh38, 1-based): chr13:32,333,010, C>A. VCF-style: chr13-32333010-C-A. GRCh37 (hg19) VCF-style: chr13-32907147-C-A.
Other names: short protein forms S511*.
Identifiers: ClinVar variation 441358 (VCV000441358.6), dbSNP rs1555281935, ClinGen allele CA387764598.

ClinVar aggregate classification (germline): Pathogenic. Review status: reviewed by expert panel (3 of 4 stars). 3 submissions from 3 submitters: Pathogenic (1). 2 of the submissions do not count toward it. Last evaluated 2017-12-15.

Conditions:
Breast-ovarian cancer, familial, susceptibility to, 2 (BROVCA2). Also called: BRCA2 Hereditary Breast and Ovarian Cancer. Identifiers: Orphanet 145, MedGen C2675520, MONDO:0012933, OMIM 612555. Disease mechanism: loss of function.
Hereditary cancer-predisposing syndrome. Also called: Hereditary Cancer Syndrome; Hereditary neoplastic syndrome; Tumor predisposition; Neoplastic Syndromes, Hereditary. Identifiers: Orphanet 140162, MedGen C0027672, MeSH D009386, MONDO:0015356.

Allele frequency attached by ClinVar (database versions not stated): gnomAD exomes below 0.00001.

Submissions (3):

Evidence-based Network for the Interpretation of Germline Mutant Alleles (ENIGMA)
Classification: Pathogenic for Breast-ovarian cancer, familial, susceptibility to, 2. Last evaluated: 2017-12-15. Review status: reviewed by expert panel. Criteria: ENIGMA BRCA1/2 Classification Criteria (2017-06-29). Collection method: curation. Allele origin: germline. Study: ENIGMA.
Comment: Variant allele predicted to encode a truncated non-functional protein.

Color Diagnostics, LLC DBA Color Health
Classification: Pathogenic for Hereditary cancer-predisposing syndrome. Last evaluated: 2024-03-04. Review status: criteria provided, single submitter. Criteria: ACMG Guidelines, 2015. Collection method: clinical testing. Allele origin: germline. Not counted in ClinVar's aggregate classification.
Comment: This variant changes 1 nucleotide in exon 10 of the BRCA2 gene, creating a premature translation stop signal. This variant is expected to result in an absent or non-functional protein product. This variant has been reported in an individual affected with breast cancer (PMID: 31300551) and in an individual affected with prostate cancer (PMID: 36979741). This variant has not been identified in the general population by the Genome Aggregation Database (gnomAD). Loss of BRCA2 function is a known mechanism of disease. Based on the available evidence, this variant is classified as Pathogenic.

Ambry Genetics
Classification: Pathogenic for Hereditary cancer-predisposing syndrome. Last evaluated: 2016-10-17. Review status: criteria provided, single submitter. Criteria: Ambry Variant Classification Scheme 2023. Collection method: clinical testing. Allele origin: germline. Not counted in ClinVar's aggregate classification.
Comment: The p.S511* pathogenic mutation (also known as c.1532C>A), located in coding exon 9 of the BRCA2 gene, results from a C to A substitution at nucleotide position 1532. This changes the amino acid from a serine to a stop codon within coding exon 9. This alteration is expected to result in loss of function by premature protein truncation or nonsense-mediated mRNA decay. As such, this alteration is interpreted as a disease-causing mutation.

Literature cited by the submitters: PubMed 31300551 (cited by Color Diagnostics, LLC DBA Color Health); PubMed 36979741 (cited by Color Diagnostics, LLC DBA Color Health).